The following is an entry in ClinVar:

ClinVar aggregate classification (germline): Benign/Likely benign. Review status: criteria provided, multiple submitters, no conflicts (2 of 4 stars). 3 submissions from 3 submitters: Benign (1); Likely benign (1). 1 of the submissions does not count toward it. Last evaluated 2025-10-29.

Conditions:
CAMK2B-related disorder. Also called: CAMK2B-related condition.

Allele frequency attached by ClinVar (database versions not stated): TOPMed below 0.00001; gnomAD 0.00001 and 0.00004; gnomAD exomes 0.00007 and 0.00014; ExAC 0.00012.
gnomAD v4.1: 106 of 1,613,996 alleles (0.0066%); highest among the groups gnomAD compares: South Asian, 0.1%; no homozygotes.

Submissions (3):

Labcorp Genetics (formerly Invitae), Labcorp
Classification: Benign. Last evaluated: 2025-10-29. Review status: criteria provided, single submitter. Criteria: Invitae Variant Classification Sherloc (09022015). Collection method: clinical testing. Allele origin: germline.

Blueprint Genetics
Classification: Likely benign. Last evaluated: 2024-03-12. Review status: criteria provided, single submitter. Criteria: ACMG Guidelines, 2015. Collection method: clinical testing. Allele origin: germline.

PreventionGenetics, part of Exact Sciences
Classification: Likely benign for CAMK2B-related condition. Last evaluated: 2019-04-26. Review status: no assertion criteria provided. Collection method: clinical testing. Allele origin: germline. Not counted in ClinVar's aggregate classification.
Comment: This variant is classified as likely benign based on ACMG/AMP sequence variant interpretation guidelines (Richards et al. 2015 PMID: 25741868, with internal and published modifications).

NM_001220.5(CAMK2B):c.117G>A (p.Glu39=)

Gene: CAMK2B (calcium/calmodulin dependent protein kinase II beta; minus strand). Cytogenetic location: 7p13.
Variant type: single nucleotide variant.
Coding change: c.117G>A on transcript NM_001220.5 (MANE Select); coding-DNA position 117, G replaced by A.
Protein change: p.Glu39=; no amino-acid change (glutamic acid 39 retained).
Molecular consequence: synonymous variant.
Genome position (GRCh38, 1-based): chr7:44,284,174, C>T on the plus strand (G>A on the coding strand, the complement: CAMK2B is on the minus strand). VCF-style: chr7-44284174-C-T. GRCh37 (hg19) VCF-style: chr7-44323773-C-T.
Other names: c.117G>A, p.Glu39= (NM_001293170.2, NM_172078.3, NM_172079.3 and 5 more transcripts); c.117G>A (NM_001220.4).
Identifiers: ClinVar variation 1560244 (VCV001560244.11), dbSNP rs770287814, ClinGen allele CA4240845.